The following is an entry in ClinVar:

ClinVar aggregate classification (germline): Uncertain significance (1 of 4 stars; one submission).

Submission:

Labcorp Genetics (formerly Invitae), Labcorp
Classification: Uncertain significance. Last evaluated: 2022-02-06. Review status: criteria provided, single submitter. Criteria: Invitae Variant Classification Sherloc (09022015). Collection method: clinical testing. Allele origin: germline.
Comment: This sequence change replaces valine, which is neutral and non-polar, with glutamic acid, which is acidic and polar, at codon 431 of the FCHO1 protein (p.Val431Glu). This variant is not present in population databases (gnomAD no frequency). This variant has not been reported in the literature in individuals affected with FCHO1-related conditions. Algorithms developed to predict the effect of missense changes on protein structure and function (SIFT, PolyPhen-2, Align-GVGD) all suggest that this variant is likely to be tolerated. In summary, the available evidence is currently insufficient to determine the role of this variant in disease. Therefore, it has been classified as a Variant of Uncertain Significance.

NM_015122.3(FCHO1):c.1292T>A (p.Val431Glu)

Gene: FCHO1 (FCH and mu domain containing endocytic adaptor 1; plus strand). Cytogenetic location: 19p13.11.
Variant type: single nucleotide variant.
Coding change: c.1292T>A on transcript NM_015122.3 (MANE Select); coding-DNA position 1292, T replaced by A.
Protein change: p.Val431Glu; replaces valine 431 with glutamic acid.
Molecular consequence: missense variant. On other transcripts: non-coding transcript variant (24), intron variant (1).
Genome position (GRCh38, 1-based): chr19:17,778,169, T>A. VCF-style: chr19-17778169-T-A. GRCh37 (hg19) VCF-style: chr19-17888978-T-A.
Other names: c.1292T>A, p.Val431Glu (NM_001384380.1, NM_001384381.1, NM_001384387.1 and 25 more transcripts); c.1142T>A, p.Val381Glu (NM_001384384.1, NM_001384385.1, NM_001384386.1 and 2 more transcripts); c.1253T>A, p.Val418Glu (NM_001384388.1, NM_001384389.1, NM_001384405.1); c.1217T>A, p.Val406Glu (NM_001384390.1); c.1247T>A, p.Val416Glu (NM_001384403.1); c.1057+1898T>A (NM_001384407.1); short protein forms V416E, V381E, V418E, V406E, V431E.
Identifiers: ClinVar variation 2093935 (VCV002093935.4), dbSNP rs2513887380, ClinGen allele CA404752756.